The following is an entry in ClinVar:

ClinVar aggregate classification (germline): Uncertain significance (1 of 4 stars; one submission).

Submission:

GeneDx
Classification: Uncertain significance. Last evaluated: 2025-09-09. Review status: criteria provided, single submitter. Criteria: GeneDx Variant Classification Process June 2021. Collection method: clinical testing. Allele origin: germline. Affected: yes.
Comment: Not observed at significant frequency in large population cohorts (gnomAD); In silico analysis supports a deleterious effect on splicing; Has not been previously published as pathogenic or benign to our knowledge

NM_001034853.2(RPGR):c.1059+4del

Gene: RPGR (retinitis pigmentosa GTPase regulator; minus strand). Cytogenetic location: Xp11.4.
Variant type: Deletion.
Coding change: c.1059+4del on transcript NM_001034853.2 (MANE Select); 4 bases into the intron after coding-DNA position 1059, one base deleted (A; older notation c.1059+4delA).
Molecular consequence: intron variant.
Genome position (GRCh38, 1-based): chrX:38,301,243, T deleted on the plus strand (A on the coding strand, the reverse complement: RPGR is on the minus strand); the first of 2 consecutive T bases (chrX:38,301,243-38,301,244); deleting either gives the same sequence. VCF-style (leftmost placement, unchanged base first): chrX-38301242-CT-C. GRCh37 (hg19) VCF-style: chrX-38160495-CT-C.
Other names: c.1056+4del (NM_001367249.1, NM_001367250.1, NM_001367245.1); c.1059+4del (NM_001367251.1, NM_001367246.1, NM_001367247.1 and 1 more transcripts); c.1089+4del (NM_001367248.1).
Identifiers: ClinVar variation 4813230 (VCV004813230.1).